The following is an entry in ClinVar:

NM_005633.4(SOS1):c.1019C>A (p.Pro340His)

Gene: SOS1 (SOS Ras/Rac guanine nucleotide exchange factor 1; minus strand). Cytogenetic location: 2p22.1.
Variant type: single nucleotide variant.
Coding change: c.1019C>A on transcript NM_005633.4 (MANE Select); coding-DNA position 1019, C replaced by A.
Protein change: p.Pro340His; replaces proline 340 with histidine.
Molecular consequence: missense variant.
Genome position (GRCh38, 1-based): chr2:39,035,267, G>T on the plus strand (C>A on the coding strand, the complement: SOS1 is on the minus strand). VCF-style: chr2-39035267-G-T. GRCh37 (hg19) VCF-style: chr2-39262408-G-T.
Other names: c.998C>A, p.Pro333His (NM_001382394.1); c.1019C>A, p.Pro340His (NM_001382395.1); short protein forms P333H, P340H.
Identifiers: ClinVar variation 1693296 (VCV001693296.3), dbSNP rs1367541617, ClinGen allele CA346367177.
Genomic context (GRCh38, chr2:39,035,267, plus strand): 5'-CTTACCTTCAAAAGTTCAAAGTAATGGAGACAGTGGTAAACAGGGGCCAGAAGCAGCCTG[G>T]GTAAAACATATTGAACAGCTTCTTTGAAACCTTCGCCTATTGACTGGAAAAAAAAGTGAT-3'
Protein context (NP_005624.2, residues 330-350): GFKEAVQYVL[Pro340His]RLLLAPVYHC

ClinVar aggregate classification (germline): Uncertain significance (1 of 4 stars; one submission).

Conditions:
Noonan syndrome 4 (NS4). Also called: SOS1-Related Noonan Syndrome; NOONAN SYNDROME WITH PIGMENTED VILLONODULAR SYNOVITIS. Identifiers: Orphanet 648, MedGen C1853120, MONDO:0012547, OMIM 610733.

Submission:

Illumina Laboratory Services, Illumina
Classification: Uncertain significance for Noonan syndrome 4. Last evaluated: 2022-01-24. Review status: criteria provided, single submitter. Criteria: ICSLVariantClassificationCriteria RUGD 01 April 2020. Collection method: clinical testing. Allele origin: unknown.
Comment: The SOS1 c.1019C>A (p.Pro340His) missense variant results in the substitution of proline at amino acid position 340 with histidine. To our knowledge, this variant has not been reported in the peer-reviewed literature. This variant is not found in version 2.1.1 or version 3.1.2 of the Genome Aggregation Database. Based on the available evidence, the c.1019C>A (p.Pro340His) variant is classified as a variant of uncertain significance for Noonan syndrome.